The following is an entry in ClinVar:

NM_004839.4(HOMER2):c.779G>A (p.Arg260Gln)

Gene: HOMER2 (homer scaffold protein 2; minus strand). Cytogenetic location: 15q25.2.
Variant type: single nucleotide variant.
Coding change: c.779G>A on transcript NM_004839.4 (MANE Select); coding-DNA position 779, G replaced by A.
Protein change: p.Arg260Gln; replaces arginine 260 with glutamine.
Molecular consequence: missense variant.
Genome position (GRCh38, 1-based): chr15:82,851,215, C>T on the plus strand (G>A on the coding strand, the complement: HOMER2 is on the minus strand). VCF-style: chr15-82851215-C-T. GRCh37 (hg19) VCF-style: chr15-83519967-C-T.
Other names: c.812G>A, p.Arg271Gln (NM_199330.3); short protein forms R260Q, R271Q.
Identifiers: ClinVar variation 2421788 (VCV002421788.6), dbSNP rs769482387, ClinGen allele CA7702001.

ClinVar aggregate classification (germline): Uncertain significance (1 of 4 stars; one submission).

Allele frequency attached by ClinVar (database versions not stated): gnomAD 0.00001; ExAC 0.00004; TOPMed 0.00006.
gnomAD v4.1: 23 of 1,562,856 alleles (0.0015%); highest among the groups gnomAD compares: African/African-American, 0.0054%; no homozygotes.

Submission:

Labcorp Genetics (formerly Invitae), Labcorp
Classification: Uncertain significance. Last evaluated: 2022-07-19. Review status: criteria provided, single submitter. Criteria: Invitae Variant Classification Sherloc (09022015). Collection method: clinical testing. Allele origin: germline.
Comment: This sequence change replaces arginine, which is basic and polar, with glutamine, which is neutral and polar, at codon 260 of the HOMER2 protein (p.Arg260Gln). This variant is present in population databases (rs769482387, gnomAD 0.006%). This variant has not been reported in the literature in individuals affected with HOMER2-related conditions. Algorithms developed to predict the effect of missense changes on protein structure and function are either unavailable or do not agree on the potential impact of this missense change (SIFT: "Tolerated"; PolyPhen-2: "Probably Damaging"; Align-GVGD: "Class C0"). In summary, the available evidence is currently insufficient to determine the role of this variant in disease. Therefore, it has been classified as a Variant of Uncertain Significance.